The following is an entry in ClinVar:

ClinVar aggregate classification (germline): Uncertain significance (1 of 4 stars; one submission).

Submission:

Labcorp Genetics (formerly Invitae), Labcorp
Classification: Uncertain significance. Last evaluated: 2023-01-08. Review status: criteria provided, single submitter. Criteria: Invitae Variant Classification Sherloc (09022015). Collection method: clinical testing. Allele origin: germline.
Comment: In summary, the available evidence is currently insufficient to determine the role of this variant in disease. Therefore, it has been classified as a Variant of Uncertain Significance. Algorithms developed to predict the effect of missense changes on protein structure and function are either unavailable or do not agree on the potential impact of this missense change (SIFT: "Deleterious"; PolyPhen-2: "Probably Damaging"; Align-GVGD: "Class C0"). This variant has not been reported in the literature in individuals affected with ATRIP-related conditions. This variant is not present in population databases (gnomAD no frequency). This sequence change replaces phenylalanine, which is neutral and non-polar, with valine, which is neutral and non-polar, at codon 583 of the ATRIP protein (p.Phe583Val).

NM_130384.3(ATRIP):c.1747T>G (p.Phe583Val)

Genes: ATRIP (ATR interacting protein; plus strand), ATRIP-TREX1 (ATRIP-TREX1 readthrough; plus strand). Cytogenetic location: 3p21.31.
Variant type: single nucleotide variant.
Coding change: c.1747T>G on transcript NM_130384.3 (MANE Select); coding-DNA position 1747, T replaced by G.
Protein change: p.Phe583Val; replaces phenylalanine 583 with valine.
Molecular consequence: missense variant. On other transcripts: non-coding transcript variant (1).
Genome position (GRCh38, 1-based): chr3:48,463,746, T>G. VCF-style: chr3-48463746-T-G. GRCh37 (hg19) VCF-style: chr3-48505145-T-G.
Other names: c.1366T>G, p.Phe456Val (NM_001271022.2); c.1468T>G, p.Phe490Val (NM_001271023.2); c.1747T>G, p.Phe583Val (NM_032166.4); short protein forms F583V, F490V, F456V.
Identifiers: ClinVar variation 2827050 (VCV002827050.3), dbSNP rs2530004014, ClinGen allele CA352729180.